The following is an entry in ClinVar:

ClinVar aggregate classification (germline): Uncertain significance. Review status: criteria provided, multiple submitters, no conflicts (2 of 4 stars). 2 submissions from 2 submitters: Uncertain significance (2). Last evaluated 2024-04-08.

Conditions:
LAMB2-related infantile-onset nephrotic syndrome. Also called: NEPHROTIC SYNDROME, TYPE 5, WITHOUT OCULAR ABNORMALITIES; NEPHROTIC SYNDROME, TYPE 5, WITH OCULAR ABNORMALITIES; Nephrotic Syndrome, type 5. Identifiers: Orphanet 306507, MedGen C3280113, MONDO:0013621, OMIM 614199.
Pierson syndrome. Also called: MICROCORIA-CONGENITAL NEPHROTIC SYNDROME. Identifiers: Orphanet 2670, MedGen C1836876, MONDO:0012184, OMIM 609049.

Allele frequency attached by ClinVar (database versions not stated): ExAC 0.00005; ESP Exome Variant Server 0.00008; gnomAD exomes 0.00008 and 0.00019; TOPMed 0.00008; gnomAD 0.00011; 1000 Genomes Project 0.00020; 1000 Genomes Project 30x 0.00031.

Submissions (2):

Fulgent Genetics
Classification: Uncertain significance for Pierson syndrome; LAMB2-related infantile-onset nephrotic syndrome. Last evaluated: 2024-04-08. Review status: criteria provided, single submitter. Criteria: ACMG Guidelines, 2015. Collection method: clinical testing. Allele origin: germline.

Labcorp Genetics (formerly Invitae), Labcorp
Classification: Uncertain significance for LAMB2-related infantile-onset nephrotic syndrome; Pierson syndrome. Last evaluated: 2022-08-09. Review status: criteria provided, single submitter. Criteria: Invitae Variant Classification Sherloc (09022015). Collection method: clinical testing. Allele origin: germline.
Comment: This sequence change replaces glycine, which is neutral and non-polar, with serine, which is neutral and polar, at codon 1119 of the LAMB2 protein (p.Gly1119Ser). This variant is present in population databases (rs199570781, gnomAD 0.01%). This variant has not been reported in the literature in individuals affected with LAMB2-related conditions. ClinVar contains an entry for this variant (Variation ID: 345987). Algorithms developed to predict the effect of missense changes on protein structure and function (SIFT, PolyPhen-2, Align-GVGD) all suggest that this variant is likely to be disruptive. Algorithms developed to predict the effect of sequence changes on RNA splicing suggest that this variant may create or strengthen a splice site. In summary, the available evidence is currently insufficient to determine the role of this variant in disease. Therefore, it has been classified as a Variant of Uncertain Significance.

NM_002292.4(LAMB2):c.3355G>A (p.Gly1119Ser)

Gene: LAMB2 (laminin subunit beta 2; minus strand). Cytogenetic location: 3p21.31.
Variant type: single nucleotide variant.
Coding change: c.3355G>A on transcript NM_002292.4 (MANE Select); coding-DNA position 3355, G replaced by A.
Protein change: p.Gly1119Ser; replaces glycine 1119 with serine.
Molecular consequence: missense variant.
Genome position (GRCh38, 1-based): chr3:49,124,259, C>T on the plus strand (G>A on the coding strand, the complement: LAMB2 is on the minus strand). VCF-style: chr3-49124259-C-T. GRCh37 (hg19) VCF-style: chr3-49161692-C-T.
Other names: short protein forms G1119S.
Identifiers: ClinVar variation 345987 (VCV000345987.13), dbSNP rs199570781, ClinGen allele CA2394060.
Genomic context (GRCh38, chr3:49,124,259, plus strand): 5'-GCAACCCAGGGTCTCCCCAGTGGAGCTCTTGGCACTCAGAACAAGTCCGCCCTCCAAAGC[C>T]GGCACGGCAGTGGCACTGCCCTGTGAACTGGGGTGGGAACAAGGCAGGGTCAGAGCCTCT-3'
Protein context (NP_002283.3, residues 1109-1129): EFTGQCHCRA[Gly1119Ser]FGGRTCSECQ